The following is an entry in ClinVar:

ClinVar aggregate classification (germline): Pathogenic. Review status: criteria provided, single submitter (1 of 4 stars). 2 submissions from 2 submitters: Pathogenic (1). 1 of the submissions does not count toward it. Last evaluated 2025-03-12.

Conditions:
Familial long QT syndrome (RWS). Also called: Congenital long QT syndrome; Romano-Ward syndrome; VENTRICULAR FIBRILLATION WITH PROLONGED QT INTERVAL. Identifiers: Orphanet 768, MedGen C1141890, MONDO:0019171.
Andersen Tawil syndrome (LQT7). Also called: ANDERSEN CARDIODYSRHYTHMIC PERIODIC PARALYSIS; Andersen Syndrome; Potassium-sensitive periodic paralysis, ventricular ectopy, and dysmorphic features; LONG QT SYNDROME 7; PERIODIC PARALYSIS, POTASSIUM-SENSITIVE CARDIODYSRHYTHMIC TYPE. Identifiers: Orphanet 37553, MedGen C1563715, MONDO:0008222, OMIM 170390.
Short QT syndrome type 3. Identifiers: Orphanet 51083, MedGen C1865018, MONDO:0012314, OMIM 609622.

Submissions (2):

Labcorp Genetics (formerly Invitae), Labcorp
Classification: Pathogenic for Short QT syndrome type 3; Andersen Tawil syndrome. Last evaluated: 2025-03-12. Review status: criteria provided, single submitter. Criteria: Invitae Variant Classification Sherloc (09022015). Collection method: clinical testing. Allele origin: germline.
Comment: This sequence change replaces aspartic acid, which is acidic and polar, with tyrosine, which is neutral and polar, at codon 78 of the KCNJ2 protein (p.Asp78Tyr). This variant is not present in population databases (gnomAD no frequency). This missense change has been observed in individual(s) with Andersen-Tawil syndrome (PMID: 16419128, 17568571). In at least one individual the variant was observed to be de novo. ClinVar contains an entry for this variant (Variation ID: 67566). Invitae Evidence Modeling of protein sequence and biophysical properties (such as structural, functional, and spatial information, amino acid conservation, physicochemical variation, residue mobility, and thermodynamic stability) indicates that this missense variant is expected to disrupt KCNJ2 protein function with a positive predictive value of 95%. Experimental studies have shown that this missense change affects KCNJ2 function (PMID: 17568571). This variant disrupts the p.Asp78 amino acid residue in KCNJ2. Other variant(s) that disrupt this residue have been observed in individuals with KCNJ2-related conditions (PMID: 16217063), which suggests that this may be a clinically significant amino acid residue. For these reasons, this variant has been classified as Pathogenic.

Cardiovascular Biomedical Research Unit, Royal Brompton & Harefield NHS Foundation Trust
No classification provided. Condition: Familial long QT syndrome. Review status: no classification provided. Collection method: literature only. Allele origin: germline. Not counted in ClinVar's aggregate classification.
Comment: This variant has been reported in the following publications (PMID:16419128;PMID:17568571).

Literature cited by the submitters: PubMed 16419128 (cited by Labcorp Genetics (formerly Invitae), Labcorp and Cardiovascular Biomedical Research Unit, Royal Brompton & Harefield NHS Foundation Trust); PubMed 17568571 (cited by Labcorp Genetics (formerly Invitae), Labcorp and Cardiovascular Biomedical Research Unit, Royal Brompton & Harefield NHS Foundation Trust); PubMed 16217063 (cited by Labcorp Genetics (formerly Invitae), Labcorp); PubMed 22581653 (cited by Cardiovascular Biomedical Research Unit, Royal Brompton & Harefield NHS Foundation Trust).

NM_000891.3(KCNJ2):c.232G>T (p.Asp78Tyr)

Gene: KCNJ2 (potassium inwardly rectifying channel subfamily J member 2; plus strand). Cytogenetic location: 17q24.3.
Variant type: single nucleotide variant.
Coding change: c.232G>T on transcript NM_000891.3 (MANE Select); coding-DNA position 232, G replaced by T.
Protein change: p.Asp78Tyr; replaces aspartic acid 78 with tyrosine.
Molecular consequence: missense variant.
Genome position (GRCh38, 1-based): chr17:70,175,271, G>T. VCF-style: chr17-70175271-G-T. GRCh37 (hg19) VCF-style: chr17-68171412-G-T.
Other names: c.232G>T (LRG_328t1); short protein forms D78Y.
Identifiers: ClinVar variation 67566 (VCV000067566.8), dbSNP rs199473372, ClinGen allele CA329651.